The following is an entry in ClinVar:

ClinVar aggregate classification (germline): Pathogenic (1 of 4 stars; one submission).

Conditions:
Familial focal epilepsy with variable foci (FPEVF). Identifiers: Orphanet 98820, MedGen C1858477, MONDO:0020310.

Submission:

Labcorp Genetics (formerly Invitae), Labcorp
Classification: Pathogenic for Familial focal epilepsy with variable foci. Last evaluated: 2024-12-22. Review status: criteria provided, single submitter. Criteria: Invitae Variant Classification Sherloc (09022015). Collection method: clinical testing. Allele origin: germline.
Comment: This sequence change creates a premature translational stop signal (p.Glu563*) in the DEPDC5 gene. It is expected to result in an absent or disrupted protein product. Loss-of-function variants in DEPDC5 are known to be pathogenic (PMID: 23542697, 23542701). This variant is not present in population databases (gnomAD no frequency). This variant has not been reported in the literature in individuals affected with DEPDC5-related conditions. For these reasons, this variant has been classified as Pathogenic.

Literature cited by the submitters: PubMed 23542697; PubMed 23542701.

NM_001242896.3(DEPDC5):c.1687G>T (p.Glu563Ter)

Gene: DEPDC5 (DEP domain containing 5, GATOR1 subcomplex subunit; plus strand). Cytogenetic location: 22q12.3.
Variant type: single nucleotide variant.
Coding change: c.1687G>T on transcript NM_001242896.3 (MANE Select); coding-DNA position 1687, G replaced by T.
Protein change: p.Glu563Ter; replaces glutamic acid 563 with a stop codon.
Molecular consequence: nonsense. On other transcripts: non-coding transcript variant (5).
Genome position (GRCh38, 1-based): chr22:31,819,042, G>T. VCF-style: chr22-31819042-G-T. GRCh37 (hg19) VCF-style: chr22-32215028-G-T.
Other names: c.1687G>T, p.Glu563Ter (NM_001369903.1, NM_014662.6, NM_001136029.4 and 6 more transcripts); c.1603G>T, p.Glu535Ter (NM_001369901.1, NM_001369902.1); short protein forms E535*, E563*.
Identifiers: ClinVar variation 3727759 (VCV003727759.2).